The following is an entry in ClinVar:

NM_000051.4(ATM):c.496+170T>C

Gene: ATM (ATM serine/threonine kinase; plus strand). Cytogenetic location: 11q22.3.
Variant type: single nucleotide variant.
Coding change: c.496+170T>C on transcript NM_000051.4 (MANE Select); 170 bases into the intron after coding-DNA position 496, T replaced by C.
Molecular consequence: intron variant.
Genome position (GRCh38, 1-based): chr11:108,236,004, T>C. VCF-style: chr11-108236004-T-C. GRCh37 (hg19) VCF-style: chr11-108106731-T-C.
Other names: c.496+170T>C (NM_001351834.2).
Identifiers: ClinVar variation 3221553 (VCV003221553.1), dbSNP rs998670156, ClinGen allele CA228375305.

ClinVar aggregate classification (germline): Uncertain significance (1 of 4 stars; one submission).

Conditions:
Hereditary cancer-predisposing syndrome. Also called: Tumor predisposition; Hereditary neoplastic syndrome; Hereditary Cancer Syndrome; Neoplastic Syndromes, Hereditary. Identifiers: Orphanet 140162, MedGen C0027672, MeSH D009386, MONDO:0015356.

Allele frequency attached by ClinVar (database versions not stated): TOPMed below 0.00001.

Submission:

Ambry Genetics
Classification: Uncertain significance for Hereditary cancer-predisposing syndrome. Last evaluated: 2024-01-26. Review status: criteria provided, single submitter. Criteria: Ambry Variant Classification Scheme 2023. Collection method: clinical testing. Allele origin: germline.
Comment: The c.496+170T>C intronic variant results from a T to C substitution 170 nucleotides after coding exon 4 in the ATM gene. This nucleotide position is well conserved in available vertebrate species. In silico splice site analysis predicts that this alteration may result in the creation or strengthening of a novel splice acceptor site. RNA studies have demonstrated that this alteration results in a splice defect; the clinical impact of this abnormal splicing is unknown at this time (Ambry internal data). Based on the available evidence, the clinical significance of this alteration remains unclear.